The following is an entry in ClinVar:

NM_001042492.3(NF1):c.6939A>T (p.Lys2313Asn)

Gene: NF1 (neurofibromin 1; plus strand). Cytogenetic location: 17q11.2.
Variant type: single nucleotide variant.
Coding change: c.6939A>T on transcript NM_001042492.3 (MANE Select); coding-DNA position 6939, A replaced by T.
Protein change: p.Lys2313Asn; replaces lysine 2313 with asparagine.
Molecular consequence: missense variant.
Genome position (GRCh38, 1-based): chr17:31,340,522, A>T. VCF-style: chr17-31340522-A-T. GRCh37 (hg19) VCF-style: chr17-29667540-A-T.
Other names: c.6876A>T, p.Lys2292Asn (NM_000267.4); short protein forms K2292N, K2313N.
Identifiers: ClinVar variation 5025521 (VCV005025521.1).

ClinVar aggregate classification (germline): Uncertain significance (1 of 4 stars; one submission).

Conditions:
Cardiovascular phenotype. Identifiers: MedGen CN230736.
Hereditary cancer-predisposing syndrome. Also called: Neoplastic Syndromes, Hereditary; Tumor predisposition; Hereditary neoplastic syndrome; Hereditary Cancer Syndrome. Identifiers: Orphanet 140162, MedGen C0027672, MeSH D009386, MONDO:0015356.

Submission:

Ambry Genetics
Classification: Uncertain significance for Cardiovascular phenotype; Hereditary cancer-predisposing syndrome. Last evaluated: 2026-07-13. Review status: criteria provided, single submitter. Criteria: Ambry Variant Classification Scheme 2023. Collection method: clinical testing. Allele origin: germline.
Comment: The p.K2292N variant (also known as c.6876A>T), located in coding exon 46 of the NF1 gene, results from an A to T substitution at nucleotide position 6876. The lysine at codon 2292 is replaced by asparagine, an amino acid with similar properties. This amino acid position is highly conserved in available vertebrate species. In addition, this alteration is predicted to be tolerated by in silico analysis. Based on the available evidence, the clinical significance of this variant remains unclear.